The following is an entry in ClinVar:

NM_001292063.2(OTOG):c.4169C>T (p.Ser1390Leu)

Gene: OTOG (otogelin; plus strand). Cytogenetic location: 11p15.1.
Variant type: single nucleotide variant.
Coding change: c.4169C>T on transcript NM_001292063.2 (MANE Select); coding-DNA position 4169, C replaced by T.
Protein change: p.Ser1390Leu; replaces serine 1390 with leucine.
Molecular consequence: missense variant.
Genome position (GRCh38, 1-based): chr11:17,608,308, C>T. VCF-style: chr11-17608308-C-T. GRCh37 (hg19) VCF-style: chr11-17629855-C-T.
Other names: c.4205C>T, p.Ser1402Leu (NM_001277269.2); short protein forms S1390L, S1402L.
Identifiers: ClinVar variation 4888116 (VCV004888116.2).

ClinVar aggregate classification (germline): Uncertain significance. Review status: criteria provided, multiple submitters, no conflicts (2 of 4 stars). 2 submissions from 2 submitters: Uncertain significance (2). Last evaluated 2026-03-03.

Conditions:
OTOG-related disorder. Also called: OTOG-related condition.

gnomAD v4.1: 37 of 1,533,934 alleles (0.0024%); highest among the groups gnomAD compares: East Asian, 0.023%; no homozygotes.

Submissions (2):

GeneDx
Classification: Uncertain significance. Last evaluated: 2026-03-03. Review status: criteria provided, single submitter. Criteria: GeneDx Variant Classification Process June 2021. Collection method: clinical testing. Allele origin: germline.
Comment: In silico analysis suggests that this missense variant does not alter protein structure/function; Has not been previously published as pathogenic or benign to our knowledge

PreventionGenetics, part of Exact Sciences
Classification: Uncertain significance for OTOG-related condition. Last evaluated: 2026-02-13. Review status: criteria provided, single submitter. Criteria: ACMG Guidelines, 2015. Collection method: clinical testing. Allele origin: germline.
Comment: The OTOG c.4205C>T variant is predicted to result in the amino acid substitution p.Ser1402Leu. To our knowledge, this variant has not been reported in the literature. This variant is reported in 0.036% of alleles in individuals of East Asian descent in gnomAD. At this time, the clinical significance of this variant is uncertain due to the absence of conclusive functional and genetic evidence.